The following is an entry in ClinVar:

NM_025243.4(SLC19A3):c.1070C>T (p.Ala357Val)

Gene: SLC19A3 (solute carrier family 19 member 3; minus strand). Cytogenetic location: 2q36.3.
Variant type: single nucleotide variant.
Coding change: c.1070C>T on transcript NM_025243.4 (MANE Select); coding-DNA position 1070, C replaced by T.
Protein change: p.Ala357Val; replaces alanine 357 with valine.
Molecular consequence: missense variant.
Genome position (GRCh38, 1-based): chr2:227,695,991, G>A on the plus strand (C>T on the coding strand, the complement: SLC19A3 is on the minus strand). VCF-style: chr2-227695991-G-A. GRCh37 (hg19) VCF-style: chr2-228560707-G-A.
Other names: c.1070C>T, p.Ala357Val (NM_001371411.1, NM_001371412.1); c.1058C>T, p.Ala353Val (NM_001371413.1, NM_001371414.1); short protein forms A357V, A353V.
Identifiers: ClinVar variation 945442 (VCV000945442.7), dbSNP rs778139709, ClinGen allele CA2149162.

ClinVar aggregate classification (germline): Uncertain significance (1 of 4 stars; one submission).

Conditions:
Biotin-responsive basal ganglia disease (BTBGD). Also called: THIAMINE METABOLISM DYSFUNCTION SYNDROME 2 (BIOTIN- AND THIAMINE-RESPONSIVE TYPE); Thiamine metabolism dysfunction syndrome 2 (biotin- or thiamine-responsive encephalopathy type 2); Thiamine Transporter-2 Deficiency; thiamine-responsive encephalopathy; Thiamine metabolism dysfunction syndrome type 2. Identifiers: Orphanet 199348, Orphanet 65284, MedGen C1843807, MONDO:0011841, OMIM 607483.

Allele frequency attached by ClinVar (database versions not stated): gnomAD 0.00001; gnomAD exomes 0.00001 and 0.00007; TOPMed 0.00002; ExAC 0.00006.
gnomAD v4.1: 20 of 1,613,926 alleles (0.0012%); highest among the groups gnomAD compares: East Asian, 0.038%; no homozygotes.

Submission:

Labcorp Genetics (formerly Invitae), Labcorp
Classification: Uncertain significance for Biotin-responsive basal ganglia disease. Last evaluated: 2021-08-13. Review status: criteria provided, single submitter. Criteria: Invitae Variant Classification Sherloc (09022015). Collection method: clinical testing. Allele origin: germline.
Comment: This sequence change replaces alanine with valine at codon 357 of the SLC19A3 protein (p.Ala357Val). The alanine residue is highly conserved and there is a small physicochemical difference between alanine and valine. This variant is present in population databases (rs778139709, ExAC 0.07%). This variant has not been reported in the literature in individuals affected with SLC19A3-related conditions. Algorithms developed to predict the effect of missense changes on protein structure and function are either unavailable or do not agree on the potential impact of this missense change (SIFT: "Deleterious"; PolyPhen-2: "Probably Damaging"; Align-GVGD: "Class C0"). In summary, the available evidence is currently insufficient to determine the role of this variant in disease. Therefore, it has been classified as a Variant of Uncertain Significance.